The following is an entry in ClinVar:

ClinVar aggregate classification (germline): Likely benign. Review status: criteria provided, multiple submitters, no conflicts (2 of 4 stars). 3 submissions from 3 submitters: Likely benign (3). Last evaluated 2024-10-30.

Conditions:
Charcot-Marie-Tooth Neuropathy X. Identifiers: MedGen CN118851.
Combined oxidative phosphorylation deficiency. Identifiers: MedGen C4540031, MONDO:0000732.
Inborn genetic diseases. Identifiers: MedGen C0950123, MeSH D030342.

Allele frequency attached by ClinVar (database versions not stated): gnomAD exomes below 0.00001 and 0.00001; ExAC 0.00002; TOPMed 0.00002; gnomAD 0.00003.
gnomAD v4.1: 5 of 1,210,347 alleles (0.00041%); highest among the groups gnomAD compares: African/African-American, 0.0087%; no homozygotes.

Submissions (3):

Labcorp Genetics (formerly Invitae), Labcorp
Classification: Likely benign for Charcot-Marie-Tooth Neuropathy X; Combined oxidative phosphorylation deficiency. Last evaluated: 2024-10-30. Review status: criteria provided, single submitter. Criteria: Invitae Variant Classification Sherloc (09022015). Collection method: clinical testing. Allele origin: germline.

Ambry Genetics
Classification: Likely benign for Inborn genetic diseases. Last evaluated: 2019-07-11. Review status: criteria provided, single submitter. Criteria: Ambry Variant Classification Scheme 2023. Collection method: clinical testing. Allele origin: germline.

GeneDx
Classification: Likely benign. Last evaluated: 2018-01-22. Review status: criteria provided, single submitter. Criteria: GeneDx Variant Classification (06012015). Collection method: clinical testing. Allele origin: germline. Affected: yes.
Comment: This variant is considered likely benign or benign based on one or more of the following criteria: it is a conservative change, it occurs at a poorly conserved position in the protein, it is predicted to be benign by multiple in silico algorithms, and/or has population frequency not consistent with disease.

NM_004208.4(AIFM1):c.1479A>G (p.Glu493=)

Genes: AIFM1 (apoptosis inducing factor mitochondria associated 1; minus strand), RAB33A (RAB33A, member RAS oncogene family; plus strand). Cytogenetic location: Xq26.1.
Variant type: single nucleotide variant.
Coding change: c.1479A>G on transcript NM_004208.4 (MANE Select); coding-DNA position 1479, A replaced by G.
Protein change: p.Glu493=; no amino-acid change (glutamic acid 493 retained).
Molecular consequence: synonymous variant. On other transcripts: 3 prime UTR variant (1), non-coding transcript variant (1).
Genome position (GRCh38, 1-based): chrX:130,131,769, T>C on the plus strand (A>G on the coding strand, the complement: AIFM1 is on the minus strand). VCF-style: chrX-130131769-T-C. GRCh37 (hg19) VCF-style: chrX-129265744-T-C.
Other names: c.462A>G, p.Glu154= (NM_001130846.4); c.*707A>G (NM_001130847.4); c.1467A>G, p.Glu489= (NM_145812.3).
Identifiers: ClinVar variation 514447 (VCV000514447.10), dbSNP rs748774215, ClinGen allele CA10515272.
Genomic context (GRCh38, chrX:130,131,769, plus strand): 5'-TGCAGTTGCTTTTGCAAAAACACCAACTGTGGGCAAACTACTGTCCACAAGACCAATAGC[T>C]TCATAGCCAACATCGGGGCCCAAATCACTCCTAAGAAGAGAGAAGAGGGTGTTCTGTCAA-3'
Protein context (NP_004199.1, residues 483-503): WSDLGPDVGY[Glu493=]AIGLVDSSLP